The following is an entry in ClinVar:

ClinVar aggregate classification (germline): Benign/Likely benign. Review status: criteria provided, multiple submitters, no conflicts (2 of 4 stars). 8 submissions from 8 submitters: Benign (6); Likely benign (2). Last evaluated 2026-02-01.

Conditions:
Autosomal recessive nonsyndromic hearing loss 30. Identifiers: Orphanet 90636, MedGen C1846784, MONDO:0011774, OMIM 607101.

Allele frequency attached by ClinVar (database versions not stated): 1000 Genomes Project 0.03514; 1000 Genomes Project 30x 0.03763; TOPMed 0.06656; gnomAD 0.06665 and 0.06790; gnomAD exomes 0.06751 and 0.08475; ExAC 0.06795; ESP Exome Variant Server 0.07604.
gnomAD v4.1: 133,619 of 1,613,882 alleles (8.3%); highest among the groups gnomAD compares: Non-Finnish European, 9.5%; 6,190 homozygotes.

Submissions (8):

Labcorp Genetics (formerly Invitae), Labcorp
Classification: Benign. Last evaluated: 2026-02-01. Review status: criteria provided, single submitter. Criteria: Invitae Variant Classification Sherloc (09022015). Collection method: clinical testing. Allele origin: germline.

Genome-Nilou Lab
Classification: Benign for Autosomal recessive nonsyndromic hearing loss 30. Last evaluated: 2021-09-05. Review status: criteria provided, single submitter. Criteria: ACMG Guidelines, 2015. Collection method: clinical testing. Allele origin: germline. Affected: no.

Mayo Clinic Laboratories, Mayo Clinic
Classification: Benign. Last evaluated: 2020-12-09. Review status: criteria provided, single submitter. Criteria: ACMG Guidelines, 2015. Collection method: clinical testing. Allele origin: germline. Observed: 22 variant alleles.

Illumina Laboratory Services, Illumina
Classification: Likely benign for Autosomal recessive nonsyndromic hearing loss 30. Last evaluated: 2018-01-13. Review status: criteria provided, single submitter. Criteria: ICSL Variant Classification Criteria 13 December 2019. Collection method: clinical testing. Allele origin: germline.
Comment: This variant was observed in the ICSL laboratory as part of a predisposition screen in an ostensibly healthy population. It had not been previously curated by ICSL or reported in the Human Gene Mutation Database (HGMD: prior to June 1st, 2018), and was therefore a candidate for classification through an automated scoring system. Utilizing variant allele frequency, disease prevalence and penetrance estimates, and inheritance mode, an automated score was calculated to assess if this variant is too frequent to cause the disease. Based on the score and internal cut-off values, a variant classified as likely benign is not then subjected to further curation. The score for this variant resulted in a classification of likely benign for this disease.

GeneDx
Classification: Benign. Last evaluated: 2017-08-03. Review status: criteria provided, single submitter. Criteria: GeneDx Variant Classification (06012015). Collection method: clinical testing. Allele origin: germline. Affected: yes.
Comment: This variant is considered likely benign or benign based on one or more of the following criteria: it is a conservative change, it occurs at a poorly conserved position in the protein, it is predicted to be benign by multiple in silico algorithms, and/or has population frequency not consistent with disease.

Laboratory for Molecular Medicine, Mass General Brigham Personalized Medicine
Classification: Benign. Last evaluated: 2012-05-07. Review status: criteria provided, single submitter. Criteria: LMM Criteria. Collection method: clinical testing. Allele origin: germline. Observed: 243 variant alleles.
Comment: "Ala220Ala in Exon 08 of MYO3A: This variant is not expected to have clinical si gnificance because it does not alter an amino acid residue, is not located withi n the splice consensus sequence, and has been identified in 9.6% (673/7020) of E uropean American chromosomes from a broad population by the NHLBI Exome Sequenci ng Project (dbSNP rs34067308)."

Breakthrough Genomics
Classification: Likely benign. Review status: criteria provided, single submitter. Criteria: ACMG Guidelines, 2015. Collection method: not provided. Allele origin: germline. Inheritance: Autosomal recessive inheritance. Affected: yes.

PreventionGenetics, part of Exact Sciences
Classification: Benign. Review status: criteria provided, single submitter. Criteria: ACMG Guidelines, 2015. Collection method: clinical testing. Allele origin: germline.

NM_017433.5(MYO3A):c.660C>T (p.Ala220=)

Gene: MYO3A (myosin IIIA; plus strand). Cytogenetic location: 10p12.1.
Variant type: single nucleotide variant.
Coding change: c.660C>T on transcript NM_017433.5 (MANE Select); coding-DNA position 660, C replaced by T.
Protein change: p.Ala220=; no amino-acid change (alanine 220 retained).
Molecular consequence: synonymous variant.
Genome position (GRCh38, 1-based): chr10:26,021,577, C>T. VCF-style: chr10-26021577-C-T. GRCh37 (hg19) VCF-style: chr10-26310506-C-T.
Other names: p.Ala220=; c.660C>T, p.Ala220= (NM_001368265.1).
Identifiers: ClinVar variation 45822 (VCV000045822.21), dbSNP rs34067308, ClinGen allele CA137105.